The following is an entry in ClinVar:

ClinVar aggregate classification (germline): Likely benign. Review status: criteria provided, multiple submitters, no conflicts (2 of 4 stars). 2 submissions from 2 submitters: Likely benign (2). Last evaluated 2018-06-16.

Allele frequency attached by ClinVar (database versions not stated): gnomAD 0.01662 and 0.01887; TOPMed 0.02718; 1000 Genomes Project 0.05092; 1000 Genomes Project 30x 0.05153.
gnomAD v4.1: 20,345 of 1,575,636 alleles (1.3%); highest among the groups gnomAD compares: East Asian, 18%; 1,269 homozygotes.

Submissions (2):

GeneDx
Classification: Likely benign. Last evaluated: 2018-06-16. Review status: criteria provided, single submitter. Criteria: GeneDx Variant Classification (06012015). Collection method: clinical testing. Allele origin: germline. Affected: yes.
Comment: This variant is considered likely benign or benign based on one or more of the following criteria: it is a conservative change, it occurs at a poorly conserved position in the protein, it is predicted to be benign by multiple in silico algorithms, and/or has population frequency not consistent with disease.

Breakthrough Genomics
Classification: Likely benign. Review status: criteria provided, single submitter. Criteria: ACMG Guidelines, 2015. Collection method: not provided. Allele origin: germline. Inheritance: Autosomal recessive inheritance. Affected: yes.

NM_006767.4(LZTR1):c.1353+58G>A

Gene: LZTR1 (leucine zipper like post translational regulator 1; plus strand). Cytogenetic location: 22q11.21.
Variant type: single nucleotide variant.
Coding change: c.1353+58G>A on transcript NM_006767.4 (MANE Select); 58 bases into the intron after coding-DNA position 1353, G replaced by A.
Molecular consequence: intron variant.
Genome position (GRCh38, 1-based): chr22:20,993,812, G>A. VCF-style: chr22-20993812-G-A. GRCh37 (hg19) VCF-style: chr22-21348101-G-A.
Identifiers: ClinVar variation 561428 (VCV000561428.2), dbSNP rs2329636, ClinGen allele CA322268780.